The following is an entry in ClinVar:

NM_000179.3(MSH6):c.1286T>C (p.Val429Ala)

Gene: MSH6 (mutS homolog 6; plus strand). Cytogenetic location: 2p16.3.
Variant type: single nucleotide variant.
Coding change: c.1286T>C on transcript NM_000179.3 (MANE Select); coding-DNA position 1286, T replaced by C.
Protein change: p.Val429Ala; replaces valine 429 with alanine.
Molecular consequence: missense variant.
Genome position (GRCh38, 1-based): chr2:47,799,269, T>C. VCF-style: chr2-47799269-T-C. GRCh37 (hg19) VCF-style: chr2-48026408-T-C.
Other names: c.896T>C, p.Val299Ala (NM_001281492.2); c.380T>C, p.Val127Ala (NM_001281493.2, NM_001281494.2); short protein forms V127A, V299A, V429A.
Identifiers: ClinVar variation 1378405 (VCV001378405.11), dbSNP rs2104333565, ClinGen allele CA346744161.

ClinVar aggregate classification (germline): Uncertain significance. Review status: criteria provided, multiple submitters, no conflicts (2 of 4 stars). 3 submissions from 3 submitters: Uncertain significance (3). Last evaluated 2023-07-29.

Conditions:
Hereditary nonpolyposis colorectal neoplasms. Identifiers: MedGen C0009405, MeSH D003123.
Hereditary cancer-predisposing syndrome. Also called: Neoplastic Syndromes, Hereditary; Hereditary Cancer Syndrome; Tumor predisposition; Hereditary neoplastic syndrome. Identifiers: Orphanet 140162, MedGen C0027672, MeSH D009386, MONDO:0015356.
Endometrial carcinoma. Also called: Endometrial carcinoma, somatic. Identifiers: MedGen C0476089, MONDO:0002447, OMIM 608089, HP:0012114.

Submissions (3):

Baylor Genetics
Classification: Uncertain significance for Endometrial carcinoma. Last evaluated: 2023-07-29. Review status: criteria provided, single submitter. Criteria: ACMG Guidelines, 2015. Collection method: clinical testing. Allele origin: unknown.

Ambry Genetics
Classification: Uncertain significance for Hereditary cancer-predisposing syndrome. Last evaluated: 2021-03-18. Review status: criteria provided, single submitter. Criteria: Ambry Variant Classification Scheme 2023. Collection method: clinical testing. Allele origin: germline.
Comment: The p.V429A variant (also known as c.1286T>C), located in coding exon 4 of the MSH6 gene, results from a T to C substitution at nucleotide position 1286. The valine at codon 429 is replaced by alanine, an amino acid with similar properties. This amino acid position is highly conserved in available vertebrate species. In addition, this alteration is predicted to be deleterious by in silico analysis. Since supporting evidence is limited at this time, the clinical significance of this alteration remains unclear.

Labcorp Genetics (formerly Invitae), Labcorp
Classification: Uncertain significance for Hereditary nonpolyposis colorectal neoplasms. Last evaluated: 2021-03-12. Review status: criteria provided, single submitter. Criteria: Invitae Variant Classification Sherloc (09022015). Collection method: clinical testing. Allele origin: germline.
Comment: This sequence change replaces valine with alanine at codon 429 of the MSH6 protein (p.Val429Ala). The valine residue is highly conserved and there is a small physicochemical difference between valine and alanine. This variant is not present in population databases (ExAC no frequency). This variant has not been reported in the literature in individuals with MSH6-related conditions. Algorithms developed to predict the effect of missense changes on protein structure and function (SIFT, PolyPhen-2, Align-GVGD) all suggest that this variant is likely to be disruptive, but these predictions have not been confirmed by published functional studies and their clinical significance is uncertain. In summary, the available evidence is currently insufficient to determine the role of this variant in disease. Therefore, it has been classified as a Variant of Uncertain Significance.